The following is an entry in ClinVar:

NM_002335.4(LRP5):c.4489-2A>G

Gene: LRP5 (LDL receptor related protein 5; plus strand). Cytogenetic location: 11q13.2.
Variant type: single nucleotide variant.
Coding change: c.4489-2A>G on transcript NM_002335.4 (MANE Select); the canonical splice acceptor site of the intron before coding-DNA position 4489, A replaced by G.
Molecular consequence: splice acceptor variant.
Genome position (GRCh38, 1-based): chr11:68,446,434, A>G. VCF-style: chr11-68446434-A-G. GRCh37 (hg19) VCF-style: chr11-68213902-A-G.
Other names: c.2746-2A>G (NM_001291902.2).
Identifiers: ClinVar variation 375570 (VCV000375570.8), dbSNP rs1057519575, ClinGen allele CA16044354.

ClinVar aggregate classification (germline): Likely pathogenic. Review status: criteria provided, single submitter (1 of 4 stars). 2 submissions from 2 submitters: Likely pathogenic (1). 1 of the submissions does not count toward it. Last evaluated 2022-10-30.

Conditions:
Osteoporosis with pseudoglioma (OPPG). Also called: osteoporosis-pseudoglioma syndrome. Identifiers: Orphanet 2788, MedGen C0432252, MONDO:0009820, OMIM 259770.

Submissions (2):

Labcorp Genetics (formerly Invitae), Labcorp
Classification: Likely pathogenic. Last evaluated: 2022-10-30. Review status: criteria provided, single submitter. Criteria: Invitae Variant Classification Sherloc (09022015). Collection method: clinical testing. Allele origin: germline.
Comment: In summary, the currently available evidence indicates that the variant is pathogenic, but additional data are needed to prove that conclusively. Therefore, this variant has been classified as Likely Pathogenic. Algorithms developed to predict the effect of sequence changes on RNA splicing suggest that this variant may disrupt the consensus splice site. ClinVar contains an entry for this variant (Variation ID: 375570). This variant has not been reported in the literature in individuals affected with LRP5-related conditions. This variant is not present in population databases (gnomAD no frequency). This sequence change affects an acceptor splice site in intron 21 of the LRP5 gene. It is expected to disrupt RNA splicing. Variants that disrupt the donor or acceptor splice site typically lead to a loss of protein function (PMID: 16199547), and loss-of-function variants in LRP5 are known to be pathogenic (PMID: 11719191, 16252235, 25711638).

Genomic Research Center, Shahid Beheshti University of Medical Sciences
Classification: Likely pathogenic for Osteoporosis with pseudoglioma. Last evaluated: 2017-01-07. Review status: no assertion criteria provided. Collection method: clinical testing. Allele origin: inherited. Affected: yes. Observed: 1 variant allele. Not counted in ClinVar's aggregate classification.

Literature cited by the submitters: PubMed 16199547 (cited by Labcorp Genetics (formerly Invitae), Labcorp); PubMed 11719191 (cited by Labcorp Genetics (formerly Invitae), Labcorp); PubMed 16252235 (cited by Labcorp Genetics (formerly Invitae), Labcorp); PubMed 25711638 (cited by Labcorp Genetics (formerly Invitae), Labcorp).